The following is an entry in ClinVar:

ClinVar aggregate classification (germline): Uncertain significance (1 of 4 stars; one submission).

Submission:

Labcorp Genetics (formerly Invitae), Labcorp
Classification: Uncertain significance. Last evaluated: 2025-02-03. Review status: criteria provided, single submitter. Criteria: Invitae Variant Classification Sherloc (09022015). Collection method: clinical testing. Allele origin: germline.
Comment: This sequence change replaces alanine, which is neutral and non-polar, with glutamic acid, which is acidic and polar, at codon 279 of the NR2E3 protein (p.Ala279Glu). This variant is not present in population databases (gnomAD no frequency). This variant has not been reported in the literature in individuals affected with NR2E3-related conditions. Invitae Evidence Modeling of protein sequence and biophysical properties (such as structural, functional, and spatial information, amino acid conservation, physicochemical variation, residue mobility, and thermodynamic stability) indicates that this missense variant is not expected to disrupt NR2E3 protein function with a negative predictive value of 80%. In summary, the available evidence is currently insufficient to determine the role of this variant in disease. Therefore, it has been classified as a Variant of Uncertain Significance.

NM_014249.4(NR2E3):c.836C>A (p.Ala279Glu)

Gene: NR2E3 (nuclear receptor subfamily 2 group E member 3; plus strand). Cytogenetic location: 15q23.
Variant type: single nucleotide variant.
Coding change: c.836C>A on transcript NM_014249.4 (MANE Select); coding-DNA position 836, C replaced by A.
Protein change: p.Ala279Glu; replaces alanine 279 with glutamic acid.
Molecular consequence: missense variant.
Genome position (GRCh38, 1-based): chr15:71,813,477, C>A. VCF-style: chr15-71813477-C-A. GRCh37 (hg19) VCF-style: chr15-72105817-C-A.
Other names: c.836C>A, p.Ala279Glu (NM_016346.4); short protein forms A279E.
Identifiers: ClinVar variation 4742597 (VCV004742597.1).